The following is an entry in ClinVar:

NM_007294.4(BRCA1):c.4609_4610insCC (p.Gln1537fs)

Gene: BRCA1 (BRCA1 DNA repair associated; minus strand). Cytogenetic location: 17q21.31.
Variant type: Insertion.
Coding change: c.4609_4610insCC on transcript NM_007294.4 (MANE Select); coding-DNA positions 4609 to 4610, CC inserted.
Protein change: p.Gln1537fs; shifts the reading frame from glutamine 1537.
Molecular consequence: frameshift variant. On other transcripts: non-coding transcript variant (1).
Genome position: GRCh38 VCF-style: chr17-43074396-T-TGG. GRCh37 (hg19) VCF-style: chr17-41226413-T-TGG.
Other names: c.4609_4610insCC, p.Gln1537fs (NM_007294.3); c.4395_4396insCC, p.Gln1466Profs (NM_001407571.1, NM_001407894.1, NM_001407895.1 and 12 more transcripts); c.4674_4675insCC, p.Gln1559Profs (NM_001407581.1, NM_001407582.1); c.4671_4672insCC, p.Gln1558Profs (NM_001407583.1, NM_001407585.1, NM_001407587.1); c.4668_4669insCC, p.Gln1557Profs (NM_001407590.1, NM_001407591.1); c.4608_4609insCC, p.Gln1537Profs (NM_001407593.1, NM_001407594.1, NM_001407596.1 and 8 more transcripts); c.4605_4606insCC, p.Gln1536Profs (NM_001407610.1, NM_001407611.1, NM_001407612.1 and 17 more transcripts); c.4602_4603insCC, p.Gln1535Profs (NM_001407627.1, NM_001407628.1, NM_001407629.1 and 14 more transcripts); and 72 more; short protein forms Q1558fs, Q433fs, Q1490fs, Q1537fs.
Identifiers: ClinVar variation 254456 (VCV000254456.11), dbSNP rs886038035, ClinGen allele CA10586608.

ClinVar aggregate classification (germline): Pathogenic. Review status: reviewed by expert panel (3 of 4 stars). 2 submissions from 2 submitters: Pathogenic (1). 1 of the submissions does not count toward it. Last evaluated 2016-09-08.

Conditions:
Hereditary breast ovarian cancer syndrome. Also called: Hereditary breast and ovarian cancer syndrome (HBOC); Breast and ovarian cancer; Hereditary breast and ovarian cancer syndrome; Hereditary breast and ovarian cancer; BRCA1- and BRCA2-Associated Hereditary Breast and Ovarian Cancer; Hereditary breast and/or ovarian cancer syndrome. Identifiers: Orphanet 145, MedGen C0677776, MeSH D061325, MONDO:0003582. Disease mechanism: loss of function.
Breast-ovarian cancer, familial, susceptibility to, 1 (BROVCA1). Also called: BRCA1 Hereditary Breast and Ovarian Cancer; OVARIAN CANCER, SUSCEPTIBILITY TO. Identifiers: Orphanet 145, MedGen C2676676, MONDO:0011450, OMIM 604370. Disease mechanism: loss of function.

Submissions (2):

Evidence-based Network for the Interpretation of Germline Mutant Alleles (ENIGMA)
Classification: Pathogenic for Breast-ovarian cancer, familial, susceptibility to, 1. Last evaluated: 2016-09-08. Review status: reviewed by expert panel. Criteria: ENIGMA BRCA1/2 Classification Criteria (2015). Collection method: curation. Allele origin: germline.
Comment: Variant allele predicted to encode a truncated non-functional protein.

Labcorp Genetics (formerly Invitae), Labcorp
Classification: Pathogenic for Hereditary breast ovarian cancer syndrome. Last evaluated: 2018-06-18. Review status: criteria provided, single submitter. Criteria: Invitae Variant Classification Sherloc (09022015). Collection method: clinical testing. Allele origin: germline. Not counted in ClinVar's aggregate classification.
Comment: This sequence change creates a premature translational stop signal (p.Gln1537Profs*12) in the BRCA1 gene. It is expected to result in an absent or disrupted protein product. This variant is not present in population databases (ExAC no frequency). For these reasons, this variant has been classified as Pathogenic. Loss-of-function variants in BRCA1 are known to be pathogenic (PMID: 20104584). This variant has been reported in individuals in the Leiden Open-source Variation Database (PMID: 21520333). ClinVar contains an entry for this variant (Variation ID: 254456).

Literature cited by the submitters: PubMed 20104584 (cited by Labcorp Genetics (formerly Invitae), Labcorp); PubMed 21520333 (cited by Labcorp Genetics (formerly Invitae), Labcorp).